The following is an entry in ClinVar:

NM_198576.4(AGRN):c.904G>T (p.Ala302Ser)

Gene: AGRN (agrin; plus strand). Cytogenetic location: 1p36.33.
Variant type: single nucleotide variant.
Coding change: c.904G>T on transcript NM_198576.4 (MANE Select); coding-DNA position 904, G replaced by T.
Protein change: p.Ala302Ser; replaces alanine 302 with serine.
Molecular consequence: missense variant.
Genome position (GRCh38, 1-based): chr1:1,041,349, G>T. VCF-style: chr1-1041349-G-T. GRCh37 (hg19) VCF-style: chr1-976729-G-T.
Other names: c.904G>T, p.Ala302Ser (NM_001305275.2); c.589G>T, p.Ala197Ser (NM_001364727.2); short protein forms A197S, A302S.
Identifiers: ClinVar variation 1355251 (VCV001355251.8), dbSNP rs1318084676, ClinGen allele CA337824911.
Genomic context (GRCh38, chr1:1,041,349, plus strand): 5'-GGGACCGTCTGCGGCAGCGACGGCGCCGACTACCCCGGCGAGTGCCAGCTCCTGCGCCGC[G>T]CCTGCGCCCGCCAGGAGAATGTCTTCAAGAAGTTCGACGGCCCTTGTGGTGAGCGCGGCG-3'
Protein context (NP_940978.2, residues 292-312): YPGECQLLRR[Ala302Ser]CARQENVFKK

ClinVar aggregate classification (germline): Uncertain significance (1 of 4 stars; one submission).

Conditions:
Congenital myasthenic syndrome 8. Also called: Myasthenic syndrome, congenital, 8, with pre- and postsynaptic defects; MYASTHENIC SYNDROME, CONGENITAL, DUE TO AGRIN DEFICIENCY. Identifiers: Orphanet 590, MedGen C3808739, MONDO:0014052, OMIM 615120.

Submission:

Labcorp Genetics (formerly Invitae), Labcorp
Classification: Uncertain significance for Congenital myasthenic syndrome 8. Last evaluated: 2021-03-29. Review status: criteria provided, single submitter. Criteria: Invitae Variant Classification Sherloc (09022015). Collection method: clinical testing. Allele origin: germline.
Comment: In summary, the available evidence is currently insufficient to determine the role of this variant in disease. Therefore, it has been classified as a Variant of Uncertain Significance. Algorithms developed to predict the effect of missense changes on protein structure and function are either unavailable or do not agree on the potential impact of this missense change (SIFT: "Deleterious"; PolyPhen-2: "Possibly Damaging"; Align-GVGD: "Class C0"). This variant has not been reported in the literature in individuals with AGRN-related conditions. The frequency data for this variant in the population databases is considered unreliable, as metrics indicate insufficient coverage at this position in the ExAC database. This sequence change replaces alanine with serine at codon 302 of the AGRN protein (p.Ala302Ser). The alanine residue is highly conserved and there is a moderate physicochemical difference between alanine and serine.